The following is an entry in ClinVar:

ClinVar aggregate classification (germline): Uncertain significance (1 of 4 stars; one submission).

Conditions:
DICER1-related tumor predisposition. Also called: DICER1-related pleuropulmonary blastoma cancer predisposition syndrome; DICER1 syndrome. Identifiers: Orphanet 284343, MedGen C3839822, MONDO:0100216.

Submission:

Labcorp Genetics (formerly Invitae), Labcorp
Classification: Uncertain significance for DICER1-related tumor predisposition. Last evaluated: 2022-02-04. Review status: criteria provided, single submitter. Criteria: Invitae Variant Classification Sherloc (09022015). Collection method: clinical testing. Allele origin: germline.
Comment: In summary, the available evidence is currently insufficient to determine the role of this variant in disease. Therefore, it has been classified as a Variant of Uncertain Significance. Algorithms developed to predict the effect of missense changes on protein structure and function are either unavailable or do not agree on the potential impact of this missense change (SIFT: "Tolerated"; PolyPhen-2: "Possibly Damaging"; Align-GVGD: "Class C0"). This variant has not been reported in the literature in individuals affected with DICER1-related conditions. This variant is not present in population databases (gnomAD no frequency). This sequence change replaces proline, which is neutral and non-polar, with alanine, which is neutral and non-polar, at codon 1592 of the DICER1 protein (p.Pro1592Ala).

NM_177438.3(DICER1):c.4774C>G (p.Pro1592Ala)

Gene: DICER1 (dicer 1, ribonuclease III; minus strand). Cytogenetic location: 14q32.13.
Variant type: single nucleotide variant.
Coding change: c.4774C>G on transcript NM_177438.3 (MANE Select); coding-DNA position 4774, C replaced by G.
Protein change: p.Pro1592Ala; replaces proline 1592 with alanine.
Molecular consequence: missense variant. On other transcripts: non-coding transcript variant (6).
Genome position (GRCh38, 1-based): chr14:95,096,146, G>C on the plus strand (C>G on the coding strand, the complement: DICER1 is on the minus strand). VCF-style: chr14-95096146-G-C. GRCh37 (hg19) VCF-style: chr14-95562483-G-C.
Other names: c.4774C>G, p.Pro1592Ala (NM_001195573.1, NM_001271282.3, NM_001291628.2 and 13 more transcripts); c.4492C>G, p.Pro1498Ala (NM_001395686.1); c.4369C>G, p.Pro1457Ala (NM_001395687.1, NM_001395688.1, NM_001395689.1 and 2 more transcripts); c.4207C>G, p.Pro1403Ala (NM_001395691.1); c.3091C>G, p.Pro1031Ala (NM_001395697.1); short protein forms P1457A, P1403A, P1498A, P1592A, P1031A.
Identifiers: ClinVar variation 2093028 (VCV002093028.4), dbSNP rs2139843727, ClinGen allele CA390867220.